The following is an entry in ClinVar:

NM_032242.4(PLXNA1):c.3996C>G (p.Leu1332=)

Gene: PLXNA1 (plexin A1; plus strand). Cytogenetic location: 3q21.3.
Variant type: single nucleotide variant.
Coding change: c.3996C>G on transcript NM_032242.4 (MANE Select); coding-DNA position 3996, C replaced by G.
Protein change: p.Leu1332=; no amino-acid change (leucine 1332 retained).
Molecular consequence: synonymous variant.
Genome position (GRCh38, 1-based): chr3:127,020,302, C>G. VCF-style: chr3-127020302-C-G. GRCh37 (hg19) VCF-style: chr3-126739145-C-G.
Identifiers: ClinVar variation 3351776 (VCV003351776.1).

ClinVar aggregate classification (germline): Likely benign (0 of 4 stars; one submission).

Conditions:
PLXNA1-related disorder. Also called: PLXNA1-related condition.

gnomAD v4.1: 14 of 1,613,028 alleles (0.00087%); highest among the groups gnomAD compares: Non-Finnish European, 0.0011%; no homozygotes.

Submission:

PreventionGenetics, part of Exact Sciences
Classification: Likely benign for PLXNA1-related condition. Last evaluated: 2023-07-19. Review status: no assertion criteria provided. Collection method: clinical testing. Allele origin: germline.
Comment: This variant is classified as likely benign based on ACMG/AMP sequence variant interpretation guidelines (Richards et al. 2015 PMID: 25741868, with internal and published modifications).